The following is an entry in ClinVar:

NM_001042424.3(NSD2):c.4048_4053dup (p.Lys1351_Arg1352insGlyLys)

Gene: NSD2 (nuclear receptor binding SET domain protein 2; plus strand). Cytogenetic location: 4p16.3.
Variant type: Duplication.
Coding change: c.4048_4053dup on transcript NM_001042424.3 (MANE Select); coding-DNA positions 4048 to 4053, 6 bases duplicated (GGGAAG; older notation c.4048_4053dupGGGAAG).
Protein change: p.Lys1351_Arg1352insGlyLys.
Molecular consequence: inframe insertion.
Genome position (GRCh38, 1-based): chr4:1,978,859-1,978,864, GGGAAG duplicated; duplicating any 6 consecutive bases within chr4:1,978,855-1,978,864 gives the same sequence; the c. name uses the placement nearest the transcript's 3' end. VCF-style (leftmost placement, unchanged base first): chr4-1978854-C-CGAAGGG. GRCh37 (hg19) VCF-style: chr4-1980581-C-CGAAGGG.
Other names: c.4048_4053dup, p.Lys1351_Arg1352insGlyLys (NM_001440892.1, NM_133330.3, NM_133331.3 and 1 more transcripts); c.4147_4152dup, p.Lys1384_Arg1385insGlyLys (NM_001440893.1); c.3931_3936dup, p.Lys1312_Arg1313insGlyLys (NM_001440894.1); c.3901_3906dup, p.Lys1302_Arg1303insGlyLys (NM_001440895.1); c.3847_3852dup, p.Lys1284_Arg1285insGlyLys (NM_001440896.1); c.3841_3846dup, p.Lys1282_Arg1283insGlyLys (NM_001440897.1); c.3724_3729dup, p.Lys1243_Arg1244insGlyLys (NM_001440898.1); c.3079_3084dup, p.Lys1028_Arg1029insGlyLys (NM_001440899.1, NM_001440900.1).
Identifiers: ClinVar variation 4711867 (VCV004711867.1).

ClinVar aggregate classification (germline): Uncertain significance (1 of 4 stars; one submission).

Submission:

Labcorp Genetics (formerly Invitae), Labcorp
Classification: Uncertain significance. Last evaluated: 2025-10-02. Review status: criteria provided, single submitter. Criteria: Invitae Variant Classification Sherloc (09022015). Collection method: clinical testing. Allele origin: germline.
Comment: This variant, c.4048_4053dup, results in the insertion of 2 amino acid(s) of the WHSC1 protein (p.Gly1350_Lys1351dup), but otherwise preserves the integrity of the reading frame. This variant is not present in population databases (gnomAD no frequency). This variant has not been reported in the literature in individuals affected with WHSC1-related conditions. In summary, the available evidence is currently insufficient to determine the role of this variant in disease. Therefore, it has been classified as a Variant of Uncertain Significance.